The following is an entry in ClinVar:

NM_000188.3(HK1):c.898A>G (p.Met300Val)

Gene: HK1 (hexokinase 1; plus strand). Cytogenetic location: 10q22.1.
Variant type: single nucleotide variant.
Coding change: c.898A>G on transcript NM_000188.3 (MANE Select); coding-DNA position 898, A replaced by G.
Protein change: p.Met300Val; replaces methionine 300 with valine.
Molecular consequence: missense variant.
Genome position (GRCh38, 1-based): chr10:69,376,956, A>G. VCF-style: chr10-69376956-A-G. GRCh37 (hg19) VCF-style: chr10-71136712-A-G.
Other names: c.910A>G, p.Met304Val (NM_001322364.2, NM_001358263.1, NM_033497.3 and 1 more transcripts); c.1003A>G, p.Met335Val (NM_001322365.2); c.814A>G, p.Met272Val (NM_001322366.1); c.802A>G, p.Met268Val (NM_001322367.1); c.895A>G, p.Met299Val (NM_033496.3); c.862A>G, p.Met288Val (NM_033500.2); short protein forms M288V, M335V, M268V, M272V, M299V, M304V, M300V.
Identifiers: ClinVar variation 2726541 (VCV002726541.2), dbSNP rs775206403, ClinGen allele CA5532449.

ClinVar aggregate classification (germline): Uncertain significance (1 of 4 stars; one submission).

Allele frequency attached by ClinVar (database versions not stated): TOPMed 0.00001; ExAC 0.00002; gnomAD 0.00002; gnomAD exomes 0.00002.
gnomAD v4.1: 38 of 1,614,074 alleles (0.0024%); highest among the groups gnomAD compares: South Asian, 0.011%; no homozygotes.

Submission:

Labcorp Genetics (formerly Invitae), Labcorp
Classification: Uncertain significance. Last evaluated: 2022-11-07. Review status: criteria provided, single submitter. Criteria: Invitae Variant Classification Sherloc (09022015). Collection method: clinical testing. Allele origin: germline.
Comment: This sequence change replaces methionine, which is neutral and non-polar, with valine, which is neutral and non-polar, at codon 300 of the HK1 protein (p.Met300Val). This variant is present in population databases (rs775206403, gnomAD 0.01%). In summary, the available evidence is currently insufficient to determine the role of this variant in disease. Therefore, it has been classified as a Variant of Uncertain Significance. Advanced modeling of protein sequence and biophysical properties (such as structural, functional, and spatial information, amino acid conservation, physicochemical variation, residue mobility, and thermodynamic stability) performed at Invitae indicates that this missense variant is not expected to disrupt HK1 protein function. This variant has not been reported in the literature in individuals affected with HK1-related conditions.